The following is an entry in ClinVar:

ClinVar aggregate classification (germline): Uncertain significance. Review status: criteria provided, multiple submitters, no conflicts (2 of 4 stars). 6 submissions from 6 submitters: Uncertain significance (6). Last evaluated 2026-06-03.

Allele frequency attached by ClinVar (database versions not stated): gnomAD 0.00001; gnomAD exomes 0.00001; TOPMed 0.00002.
gnomAD v4.1: 17 of 1,613,826 alleles (0.0011%); highest among the groups gnomAD compares: Middle Eastern, 0.016%; no homozygotes.

Submissions (6):

GeneDx
Classification: Uncertain significance. Last evaluated: 2026-06-03. Review status: criteria provided, single submitter. Criteria: GeneDx Variant Classification Process June 2021. Collection method: clinical testing. Allele origin: germline.
Comment: Reported as a likely benign variant in a study identifying OPA1 variants (PMID: 33884488); In silico analysis supports that this missense variant has a deleterious effect on protein structure/function; This variant is associated with the following publications: (PMID: 33884488)

Labcorp Genetics (formerly Invitae), Labcorp
Classification: Uncertain significance. Last evaluated: 2025-06-22. Review status: criteria provided, single submitter. Criteria: Invitae Variant Classification Sherloc (09022015). Collection method: clinical testing. Allele origin: germline.
Comment: This sequence change replaces valine, which is neutral and non-polar, with alanine, which is neutral and non-polar, at codon 109 of the OPA1 protein (p.Val109Ala). This variant is present in population databases (rs77173739, gnomAD 0.01%). This variant has not been reported in the literature in individuals affected with OPA1-related conditions. ClinVar contains an entry for this variant (Variation ID: 586198). Invitae Evidence Modeling of protein sequence and biophysical properties (such as structural, functional, and spatial information, amino acid conservation, physicochemical variation, residue mobility, and thermodynamic stability) indicates that this missense variant is not expected to disrupt OPA1 protein function with a negative predictive value of 80%. In summary, the available evidence is currently insufficient to determine the role of this variant in disease. Therefore, it has been classified as a Variant of Uncertain Significance.

Blueprint Genetics
Classification: Uncertain significance. Last evaluated: 2023-12-04. Review status: criteria provided, single submitter. Criteria: ACMG Guidelines, 2015. Collection method: clinical testing. Allele origin: germline.

Athena Diagnostics
Classification: Uncertain significance. Last evaluated: 2018-07-23. Review status: criteria provided, single submitter. Criteria: Athena Diagnostics Criteria. Collection method: clinical testing. Allele origin: germline.

CeGaT Center for Human Genetics Tuebingen
Classification: Uncertain significance. Last evaluated: 2016-06-01. Review status: criteria provided, single submitter. Criteria: CeGaT Center For Human Genetics Tuebingen Variant Classification Criteria Version 2. Collection method: clinical testing. Allele origin: germline. Affected: yes. Observed: 1 variant allele.

Breakthrough Genomics
Classification: Uncertain significance. Review status: criteria provided, single submitter. Criteria: ACMG Guidelines, 2015. Collection method: not provided. Allele origin: germline. Inheritance: Autosomal recessive inheritance. Affected: yes.

NM_130837.3(OPA1):c.326T>C (p.Val109Ala)

Gene: OPA1 (OPA1 mitochondrial dynamin like GTPase; plus strand). Cytogenetic location: 3q29.
Variant type: single nucleotide variant.
Coding change: c.326T>C on transcript NM_130837.3 (MANE Select); coding-DNA position 326, T replaced by C.
Protein change: p.Val109Ala; replaces valine 109 with alanine.
Molecular consequence: missense variant. On other transcripts: 5 prime UTR variant (2).
Genome position (GRCh38, 1-based): chr3:193,615,016, T>C. VCF-style: chr3-193615016-T-C. GRCh37 (hg19) VCF-style: chr3-193332805-T-C.
Other names: c.-47T>C (NM_001354663.2, NM_001354664.2); c.326T>C, p.Val109Ala (NM_015560.3, NM_130831.3, NM_130832.3 and 4 more transcripts); short protein forms V109A.
Identifiers: ClinVar variation 586198 (VCV000586198.54), dbSNP rs77173739, ClinGen allele CA2758980.
Genomic context (GRCh38, chr3:193,615,016, plus strand): 5'-GGCCAGCAAGATTAGCTACGAGACTCTTAAAACTTCGCTATCTCATACTAGGATCGGCTG[T>C]TGGGGGTGGCTACACAGCCAAAAAGGTGAACTTGACATTCCTCCTGGTTTTCCAATTATT-3'
Protein context (NP_570850.2, residues 99-119): KLRYLILGSA[Val109Ala]GGGYTAKKTF